The following is an entry in ClinVar:

ClinVar aggregate classification (germline): Likely benign (1 of 4 stars; one submission).

Allele frequency attached by ClinVar (database versions not stated): gnomAD 0.00012; TOPMed 0.00015; ExAC 0.00019; gnomAD exomes 0.00022; ESP Exome Variant Server 0.00041.
gnomAD v4.1: 337 of 1,608,862 alleles (0.021%); highest among the groups gnomAD compares: Non-Finnish European, 0.027%; no homozygotes.

Submission:

CeGaT Center for Human Genetics Tuebingen
Classification: Likely benign. Last evaluated: 2023-05-01. Review status: criteria provided, single submitter. Criteria: CeGaT Center For Human Genetics Tuebingen Variant Classification Criteria Version 2. Collection method: clinical testing. Allele origin: germline. Affected: yes. Observed: 2 variant alleles.
Comment: BICRA: BP4, BP7

NM_001394372.1(BICRA):c.1476C>T (p.Asn492=)

Gene: BICRA (BRD4 interacting chromatin remodeling complex associated protein; plus strand). Cytogenetic location: 19q13.33.
Variant type: single nucleotide variant.
Coding change: c.1476C>T on transcript NM_001394372.1 (MANE Select); coding-DNA position 1476, C replaced by T.
Protein change: p.Asn492=; no amino-acid change (asparagine 492 retained).
Molecular consequence: synonymous variant.
Genome position (GRCh38, 1-based): chr19:47,680,646, C>T. VCF-style: chr19-47680646-C-T. GRCh37 (hg19) VCF-style: chr19-48183903-C-T.
Other names: c.1476C>T, p.Asn492= (NM_015711.3).
Identifiers: ClinVar variation 2650165 (VCV002650165.24), dbSNP rs372970799, ClinGen allele CA9541733.
Genomic context (GRCh38, chr19:47,680,646, plus strand): 5'-CCTACTGCCTGGCGCCCCGGCGGTCCAGCTCCCGCAGCAGCTCTCAGCCCTGCCGGCCAA[C>T]GTGGGCGGGCAGATCCTGGCGGCCGCTGCCCCCCACACAGGTGGACAGCTCATCGCGAAC-3'
Protein context (NP_001381301.1, residues 482-502): LPQQLSALPA[Asn492=]VGGQILAAAA